The following is an entry in ClinVar:

ClinVar aggregate classification (germline): Uncertain significance (1 of 4 stars; one submission).

Conditions:
Autosomal dominant nonsyndromic hearing loss 23. Identifiers: Orphanet 90635, MedGen C1854594, MONDO:0011519, OMIM 605192.
Branchiootic syndrome 3 (BOS3). Also called: BO SYNDROME 3. Identifiers: MedGen C1842124, MONDO:0012025, OMIM 608389.

Submission:

Labcorp Genetics (formerly Invitae), Labcorp
Classification: Uncertain significance for Autosomal dominant nonsyndromic hearing loss 23; Branchiootic syndrome 3. Last evaluated: 2025-07-25. Review status: criteria provided, single submitter. Criteria: Invitae Variant Classification Sherloc (09022015). Collection method: clinical testing. Allele origin: germline.
Comment: This sequence change replaces leucine, which is neutral and non-polar, with valine, which is neutral and non-polar, at codon 272 of the SIX1 protein (p.Leu272Val). This variant is not present in population databases (gnomAD no frequency). This variant has not been reported in the literature in individuals affected with SIX1-related conditions. An algorithm developed to predict the effect of missense changes on protein structure and function (PolyPhen-2) suggests that this variant is likely to be disruptive. In summary, the available evidence is currently insufficient to determine the role of this variant in disease. Therefore, it has been classified as a Variant of Uncertain Significance.

NM_005982.4(SIX1):c.814C>G (p.Leu272Val)

Gene: SIX1 (SIX homeobox 1; minus strand). Cytogenetic location: 14q23.1.
Variant type: single nucleotide variant.
Coding change: c.814C>G on transcript NM_005982.4 (MANE Select); coding-DNA position 814, C replaced by G.
Protein change: p.Leu272Val; replaces leucine 272 with valine.
Molecular consequence: missense variant. On other transcripts: 3 prime UTR variant (1).
Genome position (GRCh38, 1-based): chr14:60,646,324, G>C on the plus strand (C>G on the coding strand, the complement: SIX1 is on the minus strand). VCF-style: chr14-60646324-G-C. GRCh37 (hg19) VCF-style: chr14-61113042-G-C.
Other names: c.*233C>G (NM_001425142.1); short protein forms L272V.
Identifiers: ClinVar variation 4785614 (VCV004785614.1).
Genomic context (GRCh38, chr14:60,646,324, plus strand): 5'-GGCCCCAGTCCCTCCCCACTTAGGACCCCAAGTCCACCAGACTGGAGGTGAGGGGGCCGA[G>C]CAGAGAGTCTTGGAGCTGATGCTGGTGGGTCTGCAGGCCGTGACTGGGCTGCGAGGCTGT-3'
Protein context (NP_005973.1, residues 262-282): THQHQLQDSL[Leu272Val]GPLTSSLVDL